The following is an entry in ClinVar:

NM_000875.5(IGF1R):c.2827G>A (p.Ala943Thr)

Gene: IGF1R (insulin like growth factor 1 receptor; plus strand). Cytogenetic location: 15q26.3.
Variant type: single nucleotide variant.
Coding change: c.2827G>A on transcript NM_000875.5 (MANE Select); coding-DNA position 2827, G replaced by A.
Protein change: p.Ala943Thr; replaces alanine 943 with threonine.
Molecular consequence: missense variant.
Genome position (GRCh38, 1-based): chr15:98,929,602, G>A. VCF-style: chr15-98929602-G-A. GRCh37 (hg19) VCF-style: chr15-99472831-G-A.
Other names: c.2824G>A, p.Ala942Thr (NM_001291858.2); short protein forms A943T, A942T.
Identifiers: ClinVar variation 2970506 (VCV002970506.4), dbSNP rs761063787, ClinGen allele CA7752529.

ClinVar aggregate classification (germline): Uncertain significance. Review status: criteria provided, multiple submitters, no conflicts (2 of 4 stars). 2 submissions from 2 submitters: Uncertain significance (2). Last evaluated 2025-11-04.

Allele frequency attached by ClinVar (database versions not stated): gnomAD 0.00002; TOPMed 0.00003.
gnomAD v4.1: 28 of 1,613,980 alleles (0.0017%); highest among the groups gnomAD compares: South Asian, 0.0022%; no homozygotes.

Submissions (2):

Labcorp Genetics (formerly Invitae), Labcorp
Classification: Uncertain significance. Last evaluated: 2025-11-04. Review status: criteria provided, single submitter. Criteria: Invitae Variant Classification Sherloc (09022015). Collection method: clinical testing. Allele origin: germline.
Comment: This sequence change replaces alanine, which is neutral and non-polar, with threonine, which is neutral and polar, at codon 943 of the IGF1R protein (p.Ala943Thr). This variant is present in population databases (rs761063787, gnomAD 0.04%). This variant has not been reported in the literature in individuals affected with IGF1R-related conditions. ClinVar contains an entry for this variant (Variation ID: 2970506). Invitae Evidence Modeling of protein sequence and biophysical properties (such as structural, functional, and spatial information, amino acid conservation, physicochemical variation, residue mobility, and thermodynamic stability) indicates that this missense variant is not expected to disrupt IGF1R protein function with a negative predictive value of 80%. In summary, the available evidence is currently insufficient to determine the role of this variant in disease. Therefore, it has been classified as a Variant of Uncertain Significance.

Blueprint Genetics
Classification: Uncertain significance. Last evaluated: 2024-02-13. Review status: criteria provided, single submitter. Criteria: ACMG Guidelines, 2015. Collection method: clinical testing. Allele origin: germline.